The following is an entry in ClinVar:

NM_000660.7(TGFB1):c.343G>A (p.Glu115Lys)

Genes: TGFB1 (transforming growth factor beta 1; minus strand), LOC130064510 (ATAC-STARR-seq lymphoblastoid silent region 10661; plus strand). Cytogenetic location: 19q13.2.
Variant type: single nucleotide variant.
Coding change: c.343G>A on transcript NM_000660.7 (MANE Select); coding-DNA position 343, G replaced by A.
Protein change: p.Glu115Lys; replaces glutamic acid 115 with lysine.
Molecular consequence: missense variant.
Genome position (GRCh38, 1-based): chr19:41,352,702, C>T on the plus strand (G>A on the coding strand, the complement: TGFB1 is on the minus strand). VCF-style: chr19-41352702-C-T. GRCh37 (hg19) VCF-style: chr19-41858607-C-T.
Other names: short protein forms E115K.
Identifiers: ClinVar variation 1990387 (VCV001990387.4), dbSNP rs1354846501, ClinGen allele CA406004849.

ClinVar aggregate classification (germline): Uncertain significance (1 of 4 stars; one submission).

Allele frequency attached by ClinVar (database versions not stated): gnomAD exomes below 0.00001; gnomAD 0.00001.
gnomAD v4.1: 2 of 1,613,424 alleles (0.00012%); highest among the groups gnomAD compares: East Asian, 0.0022%; no homozygotes.

Submission:

Labcorp Genetics (formerly Invitae), Labcorp
Classification: Uncertain significance. Last evaluated: 2022-08-30. Review status: criteria provided, single submitter. Criteria: Invitae Variant Classification Sherloc (09022015). Collection method: clinical testing. Allele origin: germline.
Comment: This variant has not been reported in the literature in individuals affected with TGFB1-related conditions. Algorithms developed to predict the effect of missense changes on protein structure and function (SIFT, PolyPhen-2, Align-GVGD) all suggest that this variant is likely to be tolerated. In summary, the available evidence is currently insufficient to determine the role of this variant in disease. Therefore, it has been classified as a Variant of Uncertain Significance. This variant is present in population databases (no rsID available, gnomAD 0.01%). This sequence change replaces glutamic acid, which is acidic and polar, with lysine, which is basic and polar, at codon 115 of the TGFB1 protein (p.Glu115Lys).